The following is an entry in ClinVar:

ClinVar aggregate classification (germline): Pathogenic. Review status: criteria provided, multiple submitters, no conflicts (2 of 4 stars). 2 submissions from 2 submitters: Pathogenic (2). Last evaluated 2023-07-19.

Conditions:
Bloom syndrome (BLM). Also called: Bloom-Torre-Machacek syndrome. Identifiers: Orphanet 125, MedGen C0005859, MONDO:0008876, OMIM 210900.

Submissions (2):

Labcorp Genetics (formerly Invitae), Labcorp
Classification: Pathogenic for Bloom syndrome. Last evaluated: 2023-07-19. Review status: criteria provided, single submitter. Criteria: Invitae Variant Classification Sherloc (09022015). Collection method: clinical testing. Allele origin: germline.
Comment: For these reasons, this variant has been classified as Pathogenic. ClinVar contains an entry for this variant (Variation ID: 978066). This premature translational stop signal has been observed in individual(s) with Bloom syndrome (PMID: 30214071, 33073370). This variant is not present in population databases (gnomAD no frequency). This sequence change creates a premature translational stop signal (p.Gln1127*) in the BLM gene. It is expected to result in an absent or disrupted protein product. Loss-of-function variants in BLM are known to be pathogenic (PMID: 17407155).

Center for Medical Genetics Ghent, University of Ghent
Classification: Pathogenic for Bloom syndrome. Last evaluated: 2020-09-15. Review status: criteria provided, single submitter. Criteria: ACMG Guidelines, 2015. Collection method: research, in vivo. Allele origin: paternal, not applicable. Inheritance: Autosomal recessive inheritance. Affected: yes. Observed: 1 compound heterozygote. Functional consequence: missing protein.
Comment: This variant introduces a premature stop codon in to the reading frame and abolishes BLM protein expression, confirmed by Western Blot analysis.

Literature cited by the submitters: PubMed 30214071 (cited by Labcorp Genetics (formerly Invitae), Labcorp); PubMed 33073370 (cited by Labcorp Genetics (formerly Invitae), Labcorp); PubMed 17407155 (cited by Labcorp Genetics (formerly Invitae), Labcorp).

NM_000057.4(BLM):c.3379C>T (p.Gln1127Ter)

Gene: BLM (BLM RecQ like helicase; plus strand). Cytogenetic location: 15q26.1.
Variant type: single nucleotide variant.
Coding change: c.3379C>T on transcript NM_000057.4 (MANE Select); coding-DNA position 3379, C replaced by T.
Protein change: p.Gln1127Ter; replaces glutamine 1127 with a stop codon.
Molecular consequence: nonsense. On other transcripts: intron variant (1).
Genome position (GRCh38, 1-based): chr15:90,803,541, C>T. VCF-style: chr15-90803541-C-T. GRCh37 (hg19) VCF-style: chr15-91346771-C-T.
Other names: c.3379C>T, p.Gln1127Ter (NM_001287246.2); c.2254C>T, p.Gln752Ter (NM_001287248.2); c.3358+5204C>T (NM_001287247.2); short protein forms Q1127*, Q752*.
Identifiers: ClinVar variation 978066 (VCV000978066.9), dbSNP rs1897212605, ClinGen allele CA393847472.